The following is an entry in ClinVar:

NM_183050.4(BCKDHB):c.625G>T (p.Gly209Ter)

Gene: BCKDHB (branched chain keto acid dehydrogenase E1 subunit beta; plus strand). Cytogenetic location: 6q14.1.
Variant type: single nucleotide variant.
Coding change: c.625G>T on transcript NM_183050.4 (MANE Select); coding-DNA position 625, G replaced by T.
Protein change: p.Gly209Ter; replaces glycine 209 with a stop codon.
Molecular consequence: nonsense. On other transcripts: non-coding transcript variant (1).
Genome position (GRCh38, 1-based): chr6:80,169,022, G>T. VCF-style: chr6-80169022-G-T. GRCh37 (hg19) VCF-style: chr6-80878739-G-T.
Other names: c.625G>T, p.Gly209Ter (NM_000056.5); c.415G>T, p.Gly139Ter (NM_001318975.1); short protein forms G139*, G209*.
Identifiers: ClinVar variation 983567 (VCV000983567.3), dbSNP rs1389512878, ClinGen allele CA364658160.

ClinVar aggregate classification (germline): Likely pathogenic (1 of 4 stars; one submission).

Conditions:
Maple syrup urine disease (MSUD). Identifiers: Orphanet 511, MedGen C0024776, MeSH D008375, MONDO:0009563. Disease mechanism: loss of function.

Submission:

Myriad Genetics, Inc.
Classification: Likely pathogenic for Maple syrup urine disease type 1A. Last evaluated: 2020-01-20. Review status: criteria provided, single submitter. Criteria: Myriad Women's Health Autosomal Recessive and X-Linked Classification Criteria (2019). Collection method: clinical testing. Allele origin: unknown.
Comment: NM_183050.2(BCKDHB):c.625G>T(G209*) is expected to be pathogenic in the context of maple syrup urine disease type Ib. This variant is predicted to lead to an abnormal or absent protein product due to the creation of a premature termination codon in BCKDHB, a gene where loss-of-function variants are known to be pathogenic. Please note: this variant was assessed in the context of healthy population screening.